The following is an entry in ClinVar:

NM_005876.5(SPEG):c.4424G>T (p.Cys1475Phe)

Gene: SPEG (striated muscle enriched protein kinase; plus strand). Cytogenetic location: 2q35.
Variant type: single nucleotide variant.
Coding change: c.4424G>T on transcript NM_005876.5 (MANE Select); coding-DNA position 4424, G replaced by T.
Protein change: p.Cys1475Phe; replaces cysteine 1475 with phenylalanine.
Molecular consequence: missense variant.
Genome position (GRCh38, 1-based): chr2:219,473,880, G>T. VCF-style: chr2-219473880-G-T. GRCh37 (hg19) VCF-style: chr2-220338602-G-T.
Other names: short protein forms C1475F.
Identifiers: ClinVar variation 1354418 (VCV001354418.6), dbSNP rs925570785, ClinGen allele CA65979783.

ClinVar aggregate classification (germline): Uncertain significance (1 of 4 stars; one submission).

gnomAD v4.1: 5 of 1,612,074 alleles (0.00031%); highest among the groups gnomAD compares: Non-Finnish European, 0.00042%; no homozygotes.

Submission:

Labcorp Genetics (formerly Invitae), Labcorp
Classification: Uncertain significance. Last evaluated: 2022-08-23. Review status: criteria provided, single submitter. Criteria: Invitae Variant Classification Sherloc (09022015). Collection method: clinical testing. Allele origin: germline.
Comment: Algorithms developed to predict the effect of missense changes on protein structure and function are either unavailable or do not agree on the potential impact of this missense change (SIFT: "Deleterious"; PolyPhen-2: "Probably Damaging"; Align-GVGD: "Class C0"). ClinVar contains an entry for this variant (Variation ID: 1354418). This variant has not been reported in the literature in individuals affected with SPEG-related conditions. The frequency data for this variant in the population databases is considered unreliable, as metrics indicate poor data quality at this position in the gnomAD database. This sequence change replaces cysteine, which is neutral and slightly polar, with phenylalanine, which is neutral and non-polar, at codon 1475 of the SPEG protein (p.Cys1475Phe). In summary, the available evidence is currently insufficient to determine the role of this variant in disease. Therefore, it has been classified as a Variant of Uncertain Significance.